The following is an entry in ClinVar:

ClinVar aggregate classification (germline): Uncertain significance (1 of 4 stars; one submission).

Submission:

GeneDx
Classification: Uncertain significance. Last evaluated: 2023-06-23. Review status: criteria provided, single submitter. Criteria: GeneDx Variant Classification Process June 2021. Collection method: clinical testing. Allele origin: germline. Affected: yes.
Comment: Not observed at significant frequency in large population cohorts (gnomAD); In silico analysis supports that this missense variant has a deleterious effect on protein structure/function; Has not been previously published as pathogenic or benign to our knowledge

NM_181332.3(NLGN4X):c.1475A>T (p.Glu492Val)

Gene: NLGN4X (neuroligin 4 X-linked; minus strand). Cytogenetic location: Xp22.32.
Variant type: single nucleotide variant.
Coding change: c.1475A>T on transcript NM_181332.3 (MANE Select); coding-DNA position 1475, A replaced by T.
Protein change: p.Glu492Val; replaces glutamic acid 492 with valine.
Molecular consequence: missense variant.
Genome position (GRCh38, 1-based): chrX:5,903,203, T>A on the plus strand (A>T on the coding strand, the complement: NLGN4X is on the minus strand). VCF-style: chrX-5903203-T-A. GRCh37 (hg19) VCF-style: chrX-5821244-T-A.
Other names: c.1475A>T, p.Glu492Val (NM_001282145.2, NM_001282146.2, NM_020742.4); short protein forms E492V.
Identifiers: ClinVar variation 3360258 (VCV003360258.1).